The following is an entry in ClinVar:

ClinVar aggregate classification (germline): Uncertain significance (1 of 4 stars; one submission).

Allele frequency attached by ClinVar (database versions not stated): gnomAD exomes below 0.00001 and 0.00001; ExAC 0.00001; gnomAD 0.00001; TOPMed 0.00001.

Submission:

Labcorp Genetics (formerly Invitae), Labcorp
Classification: Uncertain significance. Last evaluated: 2025-07-01. Review status: criteria provided, single submitter. Criteria: Invitae Variant Classification Sherloc (09022015). Collection method: clinical testing. Allele origin: germline.
Comment: This sequence change replaces arginine, which is basic and polar, with cysteine, which is neutral and slightly polar, at codon 223 of the CDCA7 protein (p.Arg223Cys). This variant is present in population databases (rs766866328, gnomAD 0.0009%). This variant has not been reported in the literature in individuals affected with CDCA7-related conditions. ClinVar contains an entry for this variant (Variation ID: 1473568). Invitae Evidence Modeling of protein sequence and biophysical properties (such as structural, functional, and spatial information, amino acid conservation, physicochemical variation, residue mobility, and thermodynamic stability) indicates that this missense variant is not expected to disrupt CDCA7 protein function with a negative predictive value of 80%. In summary, the available evidence is currently insufficient to determine the role of this variant in disease. Therefore, it has been classified as a Variant of Uncertain Significance.

NM_031942.5(CDCA7):c.667C>T (p.Arg223Cys)

Gene: CDCA7 (cell division cycle associated 7; plus strand). Cytogenetic location: 2q31.1.
Variant type: single nucleotide variant.
Coding change: c.667C>T on transcript NM_031942.5 (MANE Select); coding-DNA position 667, C replaced by T.
Protein change: p.Arg223Cys; replaces arginine 223 with cysteine.
Molecular consequence: missense variant.
Genome position (GRCh38, 1-based): chr2:173,363,863, C>T. VCF-style: chr2-173363863-C-T. GRCh37 (hg19) VCF-style: chr2-174228591-C-T.
Other names: c.430C>T, p.Arg144Cys (NM_145810.3); short protein forms R144C, R223C.
Identifiers: ClinVar variation 1473568 (VCV001473568.4), dbSNP rs766866328, ClinGen allele CA1971288.